The following is an entry in ClinVar:

NM_000090.4(COL3A1):c.2731A>G (p.Thr911Ala)

Gene: COL3A1 (collagen type III alpha 1 chain; plus strand). Cytogenetic location: 2q32.2.
Variant type: single nucleotide variant.
Coding change: c.2731A>G on transcript NM_000090.4 (MANE Select); coding-DNA position 2731, A replaced by G.
Protein change: p.Thr911Ala; replaces threonine 911 with alanine.
Molecular consequence: missense variant.
Genome position (GRCh38, 1-based): chr2:189,004,051, A>G. VCF-style: chr2-189004051-A-G. GRCh37 (hg19) VCF-style: chr2-189868777-A-G.
Other names: short protein forms T911A.
Identifiers: ClinVar variation 4759009 (VCV004759009.1).

ClinVar aggregate classification (germline): Uncertain significance (1 of 4 stars; one submission).

Conditions:
Familial thoracic aortic aneurysm and aortic dissection (TAAD). Also called: Thoracic aortic aneurysms and dissections. Identifiers: Orphanet 91387, MedGen C4707243, MONDO:0019625.

gnomAD v4.1: 1 of 1,613,284 alleles (0.000062%); no homozygotes.

Submission:

Color Diagnostics, LLC DBA Color Health
Classification: Uncertain significance for Familial thoracic aortic aneurysm and aortic dissection. Last evaluated: 2025-07-17. Review status: criteria provided, single submitter. Criteria: ACMG Guidelines, 2015. Collection method: clinical testing. Allele origin: germline.
Comment: This missense variant replaces threonine with alanine at codon 911 of the COL3A1 protein. Computational prediction suggests that this variant may not impact protein structure and function. To our knowledge, functional studies have not been reported for this variant. This variant has not been reported in individuals affected with COL3A1-related disorders in the literature. This variant has not been identified in the general population by the Genome Aggregation Database (gnomAD). The available evidence is insufficient to determine the role of this variant in disease conclusively. Therefore, this variant is classified as a Variant of Uncertain Significance.